The following is an entry in ClinVar:

NM_007294.4(BRCA1):c.1361G>A (p.Ser454Asn)

Gene: BRCA1 (BRCA1 DNA repair associated; minus strand). Cytogenetic location: 17q21.31.
Variant type: single nucleotide variant.
Coding change: c.1361G>A on transcript NM_007294.4 (MANE Select); coding-DNA position 1361, G replaced by A.
Protein change: p.Ser454Asn; replaces serine 454 with asparagine.
Molecular consequence: missense variant. On other transcripts: intron variant (137).
Genome position (GRCh38, 1-based): chr17:43,094,170, C>T on the plus strand (G>A on the coding strand, the complement: BRCA1 is on the minus strand). VCF-style: chr17-43094170-C-T. GRCh37 (hg19) VCF-style: chr17-41246187-C-T.
Other names: c.1097G>A, p.Ser366Asn (NM_001407925.1, NM_001407926.1, NM_001407927.1 and 9 more transcripts); c.1094G>A, p.Ser365Asn (NM_001407930.1, NM_001407931.1, NM_001407932.1 and 2 more transcripts); c.1238G>A, p.Ser413Asn (NM_001407937.1, NM_001407938.1, NM_001407939.1 and 19 more transcripts); c.1235G>A, p.Ser412Asn (NM_001407940.1, NM_001407941.1, NM_001407649.1 and 11 more transcripts); c.1220G>A, p.Ser407Asn (NM_001407942.1, NM_001407944.1, NM_001407945.1 and 29 more transcripts); c.1217G>A, p.Ser406Asn (NM_001407943.1, NM_001407964.1, NM_001407740.1 and 20 more transcripts); c.1028G>A, p.Ser343Asn (NM_001407946.1, NM_001407947.1, NM_001407948.1 and 6 more transcripts); c.1025G>A, p.Ser342Asn (NM_001407954.1, NM_001407955.1, NM_001407956.1 and 1 more transcripts); and 40 more; short protein forms S454N, S407N, S158N, S326N, S343N, S387N, S406N, S427N.
Identifiers: ClinVar variation 54220 (VCV000054220.29), dbSNP rs80357181, ClinGen allele CA000909.

ClinVar aggregate classification (germline): Conflicting classifications of pathogenicity. Review status: criteria provided, conflicting classifications (1 of 4 stars). 9 submissions from 9 submitters: Uncertain significance (4); Likely benign (3). 2 of the submissions do not count toward it. Last evaluated 2026-02-03.

Conditions:
Hereditary cancer-predisposing syndrome. Also called: Tumor predisposition; Neoplastic Syndromes, Hereditary; Hereditary Cancer Syndrome; Hereditary neoplastic syndrome. Identifiers: Orphanet 140162, MedGen C0027672, MeSH D009386, MONDO:0015356.
Hereditary breast ovarian cancer syndrome. Also called: Hereditary breast and ovarian cancer syndrome (HBOC); Hereditary breast and ovarian cancer syndrome; Hereditary breast and ovarian cancer; Hereditary breast and/or ovarian cancer syndrome; Breast and ovarian cancer; BRCA1- and BRCA2-Associated Hereditary Breast and Ovarian Cancer. Identifiers: Orphanet 145, MedGen C0677776, MeSH D061325, MONDO:0003582. Disease mechanism: loss of function.
Breast-ovarian cancer, familial, susceptibility to, 1 (BROVCA1). Also called: OVARIAN CANCER, SUSCEPTIBILITY TO; BRCA1 Hereditary Breast and Ovarian Cancer. Identifiers: Orphanet 145, MedGen C2676676, MONDO:0011450, OMIM 604370. Disease mechanism: loss of function.

Allele frequency attached by ClinVar (database versions not stated): gnomAD exomes below 0.00001; ExAC 0.00001; gnomAD 0.00002; TOPMed 0.00002; ESP Exome Variant Server 0.00008.
gnomAD v4.1: 3 of 1,613,946 alleles (0.00019%); highest among the groups gnomAD compares: African/African-American, 0.004%; no homozygotes.

Submissions (9):

Labcorp Genetics (formerly Invitae), Labcorp
Classification: Likely benign for Hereditary breast ovarian cancer syndrome. Last evaluated: 2026-02-03. Review status: criteria provided, single submitter. Criteria: Invitae Variant Classification Sherloc (09022015). Collection method: clinical testing. Allele origin: germline.

Ambry Genetics
Classification: Uncertain significance for Hereditary cancer-predisposing syndrome. Last evaluated: 2025-12-07. Review status: criteria provided, single submitter. Criteria: Ambry Variant Classification Scheme 2023. Collection method: clinical testing. Allele origin: germline.
Comment: The p.S454N variant (also known as c.1361G>A), located in coding exon 9 of the BRCA1 gene, results from a G to A substitution at nucleotide position 1361. The serine at codon 454 is replaced by asparagine, an amino acid with highly similar properties. This amino acid position is poorly conserved in available vertebrate species. In addition, the in silico prediction for this alteration is inconclusive. In addition, this variant was predicted to affect substrate binding by the NetworKIN in silico tool (Tram E et al. PLoS ONE. 2013 May; 8(5):e62468). Since supporting evidence is limited at this time, the clinical significance of this alteration remains unclear.

All of Us Research Program, National Institutes of Health
Classification: Uncertain significance for Breast-ovarian cancer, familial, susceptibility to, 1. Last evaluated: 2023-08-25. Review status: criteria provided, single submitter. Criteria: ACMG Guidelines, 2015. Collection method: clinical testing. Allele origin: germline. Inheritance: Autosomal dominant inheritance. Observed: 1 variant allele, 1 heterozygote.
Comment: This missense variant replaces serine with asparagine at codon 454 of the BRCA1 protein. Computational prediction is inconclusive regarding the impact of this variant on protein structure and function. To our knowledge, functional studies have not been reported for this variant. This variant has been reported in a multifactorial analysis with likelihood ratios for pathogenicity based on co-occurrence with a pathogenic variant and family history of 1.0331 and 0.4825, respectively (PMID: 31131967). This variant has been identified in 1/251014 chromosomes in the general population by the Genome Aggregation Database (gnomAD). The available evidence is insufficient to determine the role of this variant in disease conclusively. Therefore, this variant is classified as a Variant of Uncertain Significance.

This study involves interpretation of variants in research participants for the purpose of population health screening. Participant phenotype was not available at the time of variant classification. Additional details can be found in publication PMID: 35346344, PMCID: PMC8962531

Women's Health and Genetics/Laboratory Corporation of America, LabCorp
Classification: Uncertain significance. Last evaluated: 2023-07-31. Review status: criteria provided, single submitter. Criteria: LabCorp Variant Classification Summary - May 2015. Collection method: clinical testing. Allele origin: germline.
Comment: Variant summary: BRCA1 c.1361G>A (p.Ser454Asn) results in a conservative amino acid change in the encoded protein sequence. Five of five in-silico tools predict a benign effect of the variant on protein function. The variant allele was found at a frequency of 4e-06 in 251014 control chromosomes. The available data on variant occurrences in the general population are insufficient to allow any conclusion about variant significance. c.1361G>A has been reported in the literature in at least one individual listed in the NHGRI-BIC database with unknown classification (e.g. Tram_2013). These report(s) do not provide unequivocal conclusions about association of the variant with Hereditary Breast And Ovarian Cancer Syndrome. To our knowledge, no experimental evidence demonstrating an impact on protein function has been reported. The following publications have been ascertained in the context of this evaluation (PMID: 15235020, 23704879). Six submitters have cited clinical-significance assessments for this variant to ClinVar after 2014, classifying the variant as uncertain significance (n=3) or likely benign (n=3). Based on the evidence outlined above, the variant was classified as uncertain significance.

University of Washington Department of Laboratory Medicine, University of Washington
Classification: Likely benign for Hereditary cancer-predisposing syndrome. Last evaluated: 2023-03-23. Review status: criteria provided, single submitter. Criteria: Dines et al. (Genet Med. 2020). Collection method: curation. Allele origin: germline.
Comment: Missense variant in a coldspot region where missense variants are very unlikely to be pathogenic (PMID:31911673).

BRCA1 coldspot (exon 11 using historical exon numbering). Reclassification based on statistical prior probability

GeneDx
Classification: Likely benign. Last evaluated: 2019-07-12. Review status: criteria provided, single submitter. Criteria: GeneDx Variant Classification Process June 2021. Collection method: clinical testing. Allele origin: germline. Affected: yes.
Comment: Not observed in large population cohorts (Lek et al., 2016); In silico analysis, which includes protein predictors and evolutionary conservation, supports that this variant does not alter protein structure/function; This variant is associated with the following publications: (PMID: 23704879, 15235020)

Quest Diagnostics Nichols Institute San Juan Capistrano
Classification: Uncertain significance. Last evaluated: 2019-06-03. Review status: criteria provided, single submitter. Criteria: Quest Diagnostics criteria. Collection method: clinical testing. Allele origin: germline.

Counsyl
Classification: Uncertain significance for Breast-ovarian cancer, familial, susceptibility to, 1. Last evaluated: 2016-11-08. Review status: no assertion criteria provided. Collection method: clinical testing. Allele origin: unknown. Not counted in ClinVar's aggregate classification.

Breast Cancer Information Core (BIC) (BRCA1)
Classification: Uncertain significance for Breast-ovarian cancer, familial 1. Last evaluated: 2001-10-29. Review status: no assertion criteria provided. Collection method: clinical testing. Allele origin: germline. Affected: yes. Observed: 1 variant allele. Not counted in ClinVar's aggregate classification.

Literature cited by the submitters: PubMed 23704879 (cited by 3 submitters); PubMed 31131967 (cited by All of Us Research Program, National Institutes of Health); PubMed 15235020 (cited by 3 submitters).